The following is an entry in ClinVar:

ClinVar aggregate classification (germline): Benign (1 of 4 stars; one submission).

Allele frequency attached by ClinVar (database versions not stated): TOPMed 0.50212; gnomAD 0.50300 and 0.50982; 1000 Genomes Project 30x 0.55294; 1000 Genomes Project 0.55531.
gnomAD v4.1: 77,264 of 151,492 alleles (51%); highest among the groups gnomAD compares: East Asian, 67%; 19,994 homozygotes.

Submission:

GeneDx
Classification: Benign. Last evaluated: 2018-06-18. Review status: criteria provided, single submitter. Criteria: GeneDx Variant Classification (06012015). Collection method: clinical testing. Allele origin: germline. Affected: yes.
Comment: This variant is considered likely benign or benign based on one or more of the following criteria: it is a conservative change, it occurs at a poorly conserved position in the protein, it is predicted to be benign by multiple in silico algorithms, and/or has population frequency not consistent with disease.

NM_001035.3(RYR2):c.3599-227C>T

Gene: RYR2 (ryanodine receptor 2; plus strand). Cytogenetic location: 1q43.
Variant type: single nucleotide variant.
Coding change: c.3599-227C>T on transcript NM_001035.3 (MANE Select); 227 bases into the intron before coding-DNA position 3599, C replaced by T.
Molecular consequence: intron variant.
Genome position (GRCh38, 1-based): chr1:237,589,566, C>T. VCF-style: chr1-237589566-C-T. GRCh37 (hg19) VCF-style: chr1-237752866-C-T.
Identifiers: ClinVar variation 669217 (VCV000669217.1), dbSNP rs12043270, ClinGen allele CA10861595.